The following is an entry in ClinVar:

NM_013266.4(CTNNA3):c.2174T>A (p.Leu725Gln)

Gene: CTNNA3 (catenin alpha 3; minus strand). Cytogenetic location: 10q21.3.
Variant type: single nucleotide variant.
Coding change: c.2174T>A on transcript NM_013266.4 (MANE Select); coding-DNA position 2174, T replaced by A.
Protein change: p.Leu725Gln; replaces leucine 725 with glutamine.
Molecular consequence: missense variant.
Genome position (GRCh38, 1-based): chr10:65,988,783, A>T on the plus strand (T>A on the coding strand, the complement: CTNNA3 is on the minus strand). VCF-style: chr10-65988783-A-T. GRCh37 (hg19) VCF-style: chr10-67748541-A-T.
Other names: c.2174T>A, p.Leu725Gln (NM_001127384.3); short protein forms L725Q.
Identifiers: ClinVar variation 1474870 (VCV001474870.8), dbSNP rs2078479556, ClinGen allele CA377089399.
Genomic context (GRCh38, chr10:65,988,783, plus strand): 5'-ATCCTTGATCCTGATTCTGATATCATTTTCGCTGCATAGATCACATCAGTTGTATGCTTT[A>T]GTGGTCCTTTGCCCCTGGAAAAAAATTTATATATGTTAGCTGTGGTGTTCATGAGAAAAT-3'
Protein context (NP_037398.2, residues 715-735): MTDFTRGKGP[Leu725Gln]KHTTDVIYAA

ClinVar aggregate classification (germline): Uncertain significance (1 of 4 stars; one submission).

Conditions:
Arrhythmogenic right ventricular dysplasia 13. Also called: ARRHYTHMOGENIC RIGHT VENTRICULAR CARDIOMYOPATHY 13; Arrhythmogenic right ventricular dysplasia, familial, 13. Identifiers: MedGen C3810138, MONDO:0000908, OMIM 615616.

Allele frequency attached by ClinVar (database versions not stated): TOPMed below 0.00001; gnomAD 0.00001.
gnomAD v4.1: 2 of 1,613,154 alleles (0.00012%); highest among the groups gnomAD compares: Non-Finnish European, 0.00017%; no homozygotes.

Submission:

Labcorp Genetics (formerly Invitae), Labcorp
Classification: Uncertain significance for Arrhythmogenic right ventricular dysplasia 13. Last evaluated: 2023-05-23. Review status: criteria provided, single submitter. Criteria: Invitae Variant Classification Sherloc (09022015). Collection method: clinical testing. Allele origin: germline.
Comment: In summary, the available evidence is currently insufficient to determine the role of this variant in disease. Therefore, it has been classified as a Variant of Uncertain Significance. Advanced modeling of protein sequence and biophysical properties (such as structural, functional, and spatial information, amino acid conservation, physicochemical variation, residue mobility, and thermodynamic stability) performed at Invitae indicates that this missense variant is expected to disrupt CTNNA3 protein function. ClinVar contains an entry for this variant (Variation ID: 1474870). This variant has not been reported in the literature in individuals affected with CTNNA3-related conditions. This variant is not present in population databases (gnomAD no frequency). This sequence change replaces leucine, which is neutral and non-polar, with glutamine, which is neutral and polar, at codon 725 of the CTNNA3 protein (p.Leu725Gln).